The following is an entry in ClinVar:

ClinVar aggregate classification (germline): Pathogenic (1 of 4 stars; one submission).

gnomAD v4.1: 1 of 1,613,608 alleles (0.000062%); highest among the groups gnomAD compares: Non-Finnish European, 0.000085%; no homozygotes.

Submission:

Labcorp Genetics (formerly Invitae), Labcorp
Classification: Pathogenic. Last evaluated: 2023-07-14. Review status: criteria provided, single submitter. Criteria: Invitae Variant Classification Sherloc (09022015). Collection method: clinical testing. Allele origin: germline.
Comment: For these reasons, this variant has been classified as Pathogenic. This variant has not been reported in the literature in individuals affected with LHX3-related conditions. This variant is not present in population databases (gnomAD no frequency). This sequence change creates a premature translational stop signal (p.Cys60*) in the LHX3 gene. It is expected to result in an absent or disrupted protein product. Loss-of-function variants in LHX3 are known to be pathogenic (PMID: 16394081, 18407919).

Literature cited by the submitters: PubMed 16394081; PubMed 18407919.

NM_178138.6(LHX3):c.165T>A (p.Cys55Ter)

Gene: LHX3 (LIM homeobox 3; minus strand). Cytogenetic location: 9q34.3.
Variant type: single nucleotide variant.
Coding change: c.165T>A on transcript NM_178138.6 (MANE Select); coding-DNA position 165, T replaced by A.
Protein change: p.Cys55Ter; replaces cysteine 55 with a stop codon.
Molecular consequence: nonsense.
Genome position (GRCh38, 1-based): chr9:136,200,668, A>T on the plus strand (T>A on the coding strand, the complement: LHX3 is on the minus strand). VCF-style: chr9-136200668-A-T. GRCh37 (hg19) VCF-style: chr9-139092514-A-T.
Other names: c.132T>A, p.Cys44Ter (NM_001363746.1); c.180T>A, p.Cys60Ter (NM_014564.5); short protein forms C55*, C60*, C44*.
Identifiers: ClinVar variation 2790005 (VCV002790005.3), dbSNP rs1215724215, ClinGen allele CA375520515.